The following is an entry in ClinVar:

NM_013450.4(BAZ2B):c.2466+2T>G

Gene: BAZ2B (bromodomain adjacent to zinc finger domain 2B; minus strand). Cytogenetic location: 2q24.2.
Variant type: single nucleotide variant.
Coding change: c.2466+2T>G on transcript NM_013450.4 (MANE Select); the canonical splice donor site of the intron after coding-DNA position 2466, T replaced by G.
Molecular consequence: splice donor variant. On other transcripts: intron variant (2).
Genome position (GRCh38, 1-based): chr2:159,427,939, A>C on the plus strand (T>G on the coding strand, the complement: BAZ2B is on the minus strand). VCF-style: chr2-159427939-A-C. GRCh37 (hg19) VCF-style: chr2-160284450-A-C.
Other names: c.2358+372T>G (NM_001289975.1); c.2277+2T>G (NM_001329857.2); c.2364+372T>G (NM_001329858.2).
Identifiers: ClinVar variation 4855529 (VCV004855529.1).

ClinVar aggregate classification (germline): Uncertain significance (1 of 4 stars; one submission).

Conditions:
BAZ2B-related disorder. Also called: BAZ2B-related condition.

Submission:

3billion
Classification: Uncertain significance for BAZ2B-related disorder. Last evaluated: 2026-01-08. Review status: criteria provided, single submitter. Criteria: ACMG Guidelines, 2015. Collection method: clinical testing. Allele origin: germline. Affected: yes.
Comment: The variant is not observed in the gnomAD v4.1.0 dataset. Predicted Consequence/Location: Canonical splice site: predicted to alter splicing and result in a loss or disruption of normal protein function. Multiple pathogenic loss-of-function variants are reported downstream of the variant. In silico tools predict the variant to alter splicing and produce an abnormal transcript [SpliceAI: 0.79 (spliceogenicity >=0.2, non-spliceogenicity <0.1)]. Therefore, this variant is classified as VUS according to the recommendation of ACMG/AMP guideline.